The following is an entry in ClinVar:

NM_001048174.2(MUTYH):c.850G>A (p.Val284Met)

Gene: MUTYH (mutY DNA glycosylase; minus strand). Cytogenetic location: 1p34.1.
Variant type: single nucleotide variant.
Coding change: c.850G>A on transcript NM_001048174.2 (MANE Select); coding-DNA position 850, G replaced by A.
Protein change: p.Val284Met; replaces valine 284 with methionine.
Molecular consequence: missense variant. On other transcripts: non-coding transcript variant (2).
Genome position (GRCh38, 1-based): chr1:45,332,086, C>T on the plus strand (G>A on the coding strand, the complement: MUTYH is on the minus strand). VCF-style: chr1-45332086-C-T. GRCh37 (hg19) VCF-style: chr1-45797758-C-T.
Other names: c.850G>A, p.Val284Met (NM_001048171.2, NM_001048173.2, NM_001293195.2); c.853G>A, p.Val285Met (NM_001048172.2); c.934G>A, p.Val312Met (NM_001128425.2); c.895G>A, p.Val299Met (NM_001293190.2); c.883G>A, p.Val295Met (NM_001293191.2); c.574G>A, p.Val192Met (NM_001293192.2, NM_001293196.2); c.505G>A, p.Val169Met (NM_001350650.2, NM_001350651.2); c.925G>A, p.Val309Met (NM_012222.3); short protein forms V169M, V192M, V295M, V309M, V284M, V299M, V285M, V312M.
Identifiers: ClinVar variation 801229 (VCV000801229.26), dbSNP rs1570396086, ClinGen allele CA340134252.

ClinVar aggregate classification (germline): Conflicting classifications of pathogenicity. Review status: criteria provided, conflicting classifications (1 of 4 stars). 7 submissions from 7 submitters: Uncertain significance (6); Likely benign (1). Last evaluated 2025-09-05.

Conditions:
Gastric cancer. Also called: Stomach cancer; Malignant tumor of stomach. Identifiers: MedGen C0024623, MeSH D013274, MONDO:0001056, OMIM 613659, HP:0012126.
Familial adenomatous polyposis 2. Also called: FAP type 2; MUTYH-associated polyposis; MUTYH-related attenuated familial adenomatous polyposis; Adenomas, multiple colorectal; MYH-associated polyposis; COLORECTAL ADENOMATOUS POLYPOSIS, AUTOSOMAL RECESSIVE. Identifiers: Orphanet 220460, Orphanet 247798, MedGen C3272841, MONDO:0012041, OMIM 608456.
Hereditary cancer-predisposing syndrome. Also called: Neoplastic Syndromes, Hereditary; Hereditary Cancer Syndrome; Hereditary neoplastic syndrome; Tumor predisposition. Identifiers: Orphanet 140162, MedGen C0027672, MeSH D009386, MONDO:0015356.

Allele frequency attached by ClinVar (database versions not stated): gnomAD exomes below 0.00001.
gnomAD v4.1: 5 of 1,614,214 alleles (0.00031%); highest among the groups gnomAD compares: Non-Finnish European, 0.00042%; no homozygotes.

Submissions (7):

Ambry Genetics
Classification: Likely benign for Hereditary cancer-predisposing syndrome. Last evaluated: 2025-09-05. Review status: criteria provided, single submitter. Criteria: Ambry Variant Classification Scheme 2023. Collection method: clinical testing. Allele origin: germline.

Labcorp Genetics (formerly Invitae), Labcorp
Classification: Uncertain significance for Familial adenomatous polyposis 2. Last evaluated: 2025-04-21. Review status: criteria provided, single submitter. Criteria: Invitae Variant Classification Sherloc (09022015). Collection method: clinical testing. Allele origin: germline.
Comment: This sequence change replaces valine, which is neutral and non-polar, with methionine, which is neutral and non-polar, at codon 312 of the MUTYH protein (p.Val312Met). This variant is not present in population databases (gnomAD no frequency). This variant has not been reported in the literature in individuals affected with MUTYH-related conditions. ClinVar contains an entry for this variant (Variation ID: 801229). An algorithm developed to predict the effect of missense changes on protein structure and function outputs the following: PolyPhen-2: "Benign". The methionine amino acid residue is found in multiple mammalian species, which suggests that this missense change does not adversely affect protein function. Algorithms developed to predict the effect of sequence changes on RNA splicing suggest that this variant may disrupt the consensus splice site. In summary, the available evidence is currently insufficient to determine the role of this variant in disease. Therefore, it has been classified as a Variant of Uncertain Significance.

Baylor Genetics
Classification: Uncertain significance for Familial adenomatous polyposis 2. Last evaluated: 2024-01-03. Review status: criteria provided, single submitter. Criteria: ACMG Guidelines, 2015. Collection method: clinical testing. Allele origin: unknown.

Color Diagnostics, LLC DBA Color Health
Classification: Uncertain significance for Hereditary cancer-predisposing syndrome. Last evaluated: 2023-04-17. Review status: criteria provided, single submitter. Criteria: ACMG Guidelines, 2015. Collection method: clinical testing. Allele origin: germline.
Comment: This missense variant replaces valine with methionine at codon 312 of the MUTYH protein. This variant is also known as c.892G>A (p.Val298Met) based on an alternative transcript (NM_001048171). Computational prediction suggests that this variant may not impact protein structure and function (internally defined REVEL score threshold <= 0.5, PMID: 27666373). To our knowledge, functional studies have not been performed for this variant. This variant has not been reported in individuals affected with hereditary cancer in the literature. This variant has not been identified in the general population by the Genome Aggregation Database (gnomAD). The available evidence is insufficient to determine the role of this variant in disease conclusively. Therefore, this variant is classified as a Variant of Uncertain Significance.

All of Us Research Program, National Institutes of Health
Classification: Uncertain significance for Familial adenomatous polyposis 2. Last evaluated: 2023-03-02. Review status: criteria provided, single submitter. Criteria: ACMG Guidelines, 2015. Collection method: clinical testing. Allele origin: germline. Inheritance: Autosomal recessive inheritance. Observed: 1 variant allele, 1 heterozygote.
Comment: This missense variant replaces valine with methionine at codon 312 of the MUTYH protein. This variant is also known as c.892G>A (p.Val298Met) based on an alternative transcript (NM_001048171). Computational prediction suggests that this variant may not impact protein structure and function (internally defined REVEL score threshold <= 0.5, PMID: 27666373). Splice site prediction tools suggest that this variant may not impact RNA splicing. To our knowledge, functional studies have not been performed for this variant. This variant has not been reported in individuals affected with hereditary cancer in the literature. This variant has not been identified in the general population by the Genome Aggregation Database (gnomAD). The available evidence is insufficient to determine the role of this variant in disease conclusively. Therefore, this variant is classified as a Variant of Uncertain Significance.

This study involves interpretation of variants in research participants for the purpose of population health screening. Participant phenotype was not available at the time of variant classification. Additional details can be found in publication PMID: 35346344, PMCID: PMC8962531

Department of Pathology and Laboratory Medicine, Sinai Health System
Classification: Uncertain significance for Familial adenomatous polyposis 2; Gastric cancer. Last evaluated: 2021-08-18. Review status: criteria provided, single submitter. Criteria: ACMG Guidelines, 2015. Collection method: clinical testing. Allele origin: germline. Affected: yes.

Quest Diagnostics Nichols Institute San Juan Capistrano
Classification: Uncertain significance. Last evaluated: 2018-10-16. Review status: criteria provided, single submitter. Criteria: Quest Diagnostics criteria. Collection method: clinical testing. Allele origin: germline.

Literature cited by the submitters: PubMed 24728327 (cited by Ambry Genetics).